The following is an entry in ClinVar:

NM_001134363.3(RBM20):c.1358T>C (p.Leu453Pro)

Gene: RBM20 (RNA binding motif protein 20; plus strand). Cytogenetic location: 10q25.2.
Variant type: single nucleotide variant.
Coding change: c.1358T>C on transcript NM_001134363.3 (MANE Select); coding-DNA position 1358, T replaced by C.
Protein change: p.Leu453Pro; replaces leucine 453 with proline.
Molecular consequence: missense variant.
Genome position (GRCh38, 1-based): chr10:110,784,361, T>C. VCF-style: chr10-110784361-T-C. GRCh37 (hg19) VCF-style: chr10-112544119-T-C.
Other names: short protein forms L453P.
Identifiers: ClinVar variation 1770747 (VCV001770747.2), dbSNP rs770152052, ClinGen allele CA378387662.

ClinVar aggregate classification (germline): Uncertain significance (1 of 4 stars; one submission).

Conditions:
Cardiovascular phenotype. Identifiers: MedGen CN230736.

Submission:

Ambry Genetics
Classification: Uncertain significance for Cardiovascular phenotype. Last evaluated: 2022-07-10. Review status: criteria provided, single submitter. Criteria: Ambry Variant Classification Scheme 2023. Collection method: clinical testing. Allele origin: germline.
Comment: The p.L453P variant (also known as c.1358T>C), located in coding exon 4 of the RBM20 gene, results from a T to C substitution at nucleotide position 1358. The leucine at codon 453 is replaced by proline, an amino acid with similar properties. This amino acid position is conserved. In addition, the in silico prediction for this alteration is inconclusive. Since supporting evidence is limited at this time, the clinical significance of this alteration remains unclear.